The following is an entry in ClinVar:

ClinVar aggregate classification (germline): Pathogenic (1 of 4 stars; one submission).

Conditions:
Autosomal recessive severe congenital neutropenia due to G6PC3 deficiency. Also called: G6PC3 Deficiency; NEUTROPENIA, SEVERE CONGENITAL, 4, AUTOSOMAL RECESSIVE. Identifiers: Orphanet 331176, MedGen C2751630, MONDO:0012930, OMIM 612541.

Submission:

Labcorp Genetics (formerly Invitae), Labcorp
Classification: Pathogenic for Autosomal recessive severe congenital neutropenia due to G6PC3 deficiency. Last evaluated: 2024-02-11. Review status: criteria provided, single submitter. Criteria: Invitae Variant Classification Sherloc (09022015). Collection method: clinical testing. Allele origin: germline.
Comment: This variant, c.758_781del, results in the deletion of 8 amino acid(s) of the G6PC3 protein (p.Arg253_Gly260del), but otherwise preserves the integrity of the reading frame. This variant is present in population databases (rs777475388, gnomAD 0.007%). This variant has not been reported in the literature in individuals affected with G6PC3-related conditions. ClinVar contains an entry for this variant (Variation ID: 1004638). This variant disrupts a region of the G6PC3 protein in which other variant(s) (p.Gly260Arg) have been determined to be pathogenic (PMID: 19118303, 20616219, 23180359, 23441086, 25492228). This suggests that this is a clinically significant region of the protein, and that variants that disrupt it are likely to be disease-causing. For these reasons, this variant has been classified as Pathogenic.

Literature cited by the submitters: PubMed 19118303; PubMed 20616219; PubMed 23180359; PubMed 23441086; PubMed 25492228.

NM_138387.4(G6PC3):c.758_781del (p.Arg253_Gly260del)

Gene: G6PC3 (glucose-6-phosphatase catalytic subunit 3; plus strand). Cytogenetic location: 17q21.31.
Variant type: Deletion.
Coding change: c.758_781del on transcript NM_138387.4 (MANE Select); coding-DNA positions 758 to 781, 24 bases deleted (GTGACTCAGGGGCTGCCCTGGGCC).
Protein change: p.Arg253_Gly260del.
Molecular consequence: inframe deletion. On other transcripts: 3 prime UTR variant (1).
Genome position (GRCh38, 1-based): chr17:44,075,760-44,075,783, GTGACTCAGGGGCTGCCCTGGGCC deleted; deleting any 24 consecutive bases within chr17:44,075,757-44,075,783 gives the same sequence; the c. name uses the placement nearest the transcript's 3' end. VCF-style (leftmost placement, unchanged base first): chr17-44075756-AGCCGTGACTCAGGGGCTGCCCTGG-A. GRCh37 (hg19) VCF-style: chr17-42153124-AGCCGTGACTCAGGGGCTGCCCTGG-A.
Other names: c.*51_*74del (NM_001319945.2); c.413_436del, p.Arg138_Gly145del (NM_001384165.1, NM_001384166.1, NM_001384167.1 and 1 more transcripts).
Identifiers: ClinVar variation 1004638 (VCV001004638.8), dbSNP rs777475388, ClinGen allele CA8596141.